The following is an entry in ClinVar:

ClinVar aggregate classification (germline): Uncertain significance. Review status: criteria provided, multiple submitters, no conflicts (2 of 4 stars). 2 submissions from 2 submitters: Uncertain significance (2). Last evaluated 2025-07-01.

Conditions:
Malignant hyperthermia, susceptibility to, 1 (MHS1). Also called: Anesthesia related hyperthermia; Malignant hyperpyrexia; Fulminating hyperpyrexia; Pharmacogenic myopathy; Malignant hyperthermia suceptibility 1; RYR1-Related Malignant Hyperthermia Susceptibility. Identifiers: Orphanet 423, MedGen C2930980, MONDO:0007783, OMIM 145600.

gnomAD v4.1: 2 of 1,607,054 alleles (0.00012%); highest among the groups gnomAD compares: Non-Finnish European, 0.00017%; no homozygotes.

Submissions (2):

Color Diagnostics, LLC DBA Color Health
Classification: Uncertain significance for Malignant hyperthermia, susceptibility to, 1. Last evaluated: 2025-07-01. Review status: criteria provided, single submitter. Criteria: ACMG Guidelines, 2015. Collection method: clinical testing. Allele origin: germline.
Comment: This missense variant replaces glutamic acid with lysine at codon 18 of the RYR1 protein. Computational prediction is inconclusive regarding the impact of this variant on protein structure and function. To our knowledge, functional studies have not been reported for this variant. This variant has not been reported in individuals affected with RYR1-related disorders in the literature. This variant has not been identified in the general population by the Genome Aggregation Database (gnomAD). The available evidence is insufficient to determine the role of this variant in disease conclusively. Therefore, this variant is classified as a Variant of Uncertain Significance.

Mayo Clinic Laboratories, Mayo Clinic
Classification: Uncertain significance. Last evaluated: 2023-07-26. Review status: criteria provided, single submitter. Criteria: ACMG Guidelines, 2015. Collection method: clinical testing. Allele origin: germline. Observed: 1 variant allele.
Comment: PM2_moderate

NM_000540.3(RYR1):c.52G>A (p.Glu18Lys)

Gene: RYR1 (ryanodine receptor 1; plus strand). Cytogenetic location: 19q13.2.
Variant type: single nucleotide variant.
Coding change: c.52G>A on transcript NM_000540.3 (MANE Select); coding-DNA position 52, G replaced by A.
Protein change: p.Glu18Lys; replaces glutamic acid 18 with lysine.
Molecular consequence: missense variant.
Genome position (GRCh38, 1-based): chr19:38,440,751, G>A. VCF-style: chr19-38440751-G-A. GRCh37 (hg19) VCF-style: chr19-38931391-G-A.
Other names: p.Glu18Lys; c.52G>A, p.Glu18Lys (NM_001042723.2); short protein forms E18K.
Identifiers: ClinVar variation 3380608 (VCV003380608.2).